The following is an entry in ClinVar:

ClinVar aggregate classification (germline): Uncertain significance (1 of 4 stars; one submission).

Conditions:
Combined immunodeficiency due to LRBA deficiency. Also called: Common variable immunodeficiency 8, with autoimmunity. Identifiers: Orphanet 445018, MedGen C3553512, MONDO:0013863, OMIM 614700.

gnomAD v4.1: 18 of 1,613,132 alleles (0.0011%); highest among the groups gnomAD compares: Non-Finnish European, 0.0015%; no homozygotes.

Submission:

Labcorp Genetics (formerly Invitae), Labcorp
Classification: Uncertain significance for Combined immunodeficiency due to LRBA deficiency. Last evaluated: 2024-04-22. Review status: criteria provided, single submitter. Criteria: Invitae Variant Classification Sherloc (09022015). Collection method: clinical testing. Allele origin: germline.
Comment: This sequence change replaces arginine, which is basic and polar, with serine, which is neutral and polar, at codon 910 of the LRBA protein (p.Arg910Ser). This variant is present in population databases (no rsID available, gnomAD 0.002%). This variant has not been reported in the literature in individuals affected with LRBA-related conditions. Advanced modeling of protein sequence and biophysical properties (such as structural, functional, and spatial information, amino acid conservation, physicochemical variation, residue mobility, and thermodynamic stability) performed at Invitae indicates that this missense variant is expected to disrupt LRBA protein function with a positive predictive value of 80%. In summary, the available evidence is currently insufficient to determine the role of this variant in disease. Therefore, it has been classified as a Variant of Uncertain Significance.

NM_001364905.1(LRBA):c.2728C>A (p.Arg910Ser)

Gene: LRBA (LPS responsive beige-like anchor protein; minus strand). Cytogenetic location: 4q31.3.
Variant type: single nucleotide variant.
Coding change: c.2728C>A on transcript NM_001364905.1 (MANE Select); coding-DNA position 2728, C replaced by A.
Protein change: p.Arg910Ser; replaces arginine 910 with serine.
Molecular consequence: missense variant.
Genome position (GRCh38, 1-based): chr4:150,867,709, G>T on the plus strand (C>A on the coding strand, the complement: LRBA is on the minus strand). VCF-style: chr4-150867709-G-T. GRCh37 (hg19) VCF-style: chr4-151788861-G-T.
Other names: c.2728C>A, p.Arg910Ser (NM_001199282.3, NM_001367550.1, NM_006726.5); short protein forms R910S.
Identifiers: ClinVar variation 3623991 (VCV003623991.2).